The following is an entry in ClinVar:

ClinVar aggregate classification (germline): Uncertain significance (1 of 4 stars; one submission).

Submission:

Labcorp Genetics (formerly Invitae), Labcorp
Classification: Uncertain significance. Last evaluated: 2025-06-16. Review status: criteria provided, single submitter. Criteria: Invitae Variant Classification Sherloc (09022015). Collection method: clinical testing. Allele origin: germline.
Comment: This sequence change replaces leucine, which is neutral and non-polar, with phenylalanine, which is neutral and non-polar, at codon 156 of the SON protein (p.Leu156Phe). This variant is not present in population databases (gnomAD no frequency). This variant has not been reported in the literature in individuals affected with SON-related conditions. An algorithm developed to predict the effect of missense changes on protein structure and function (PolyPhen-2) suggests that this variant is likely to be disruptive. In summary, the available evidence is currently insufficient to determine the role of this variant in disease. Therefore, it has been classified as a Variant of Uncertain Significance.

NM_138927.4(SON):c.468A>C (p.Leu156Phe)

Gene: SON (SON DNA and RNA binding protein; plus strand). Cytogenetic location: 21q22.11.
Variant type: single nucleotide variant.
Coding change: c.468A>C on transcript NM_138927.4 (MANE Select); coding-DNA position 468, A replaced by C.
Protein change: p.Leu156Phe; replaces leucine 156 with phenylalanine.
Molecular consequence: missense variant. On other transcripts: non-coding transcript variant (1), intron variant (1).
Genome position (GRCh38, 1-based): chr21:33,549,699, A>C. VCF-style: chr21-33549699-A-C. GRCh37 (hg19) VCF-style: chr21-34922005-A-C.
Other names: c.468A>C, p.Leu156Phe (NM_001291411.2, NM_032195.3); c.244+3320A>C (NM_001291412.3); short protein forms L156F.
Identifiers: ClinVar variation 4721526 (VCV004721526.1).